The following is an entry in ClinVar:

NM_001346754.2(PIGW):c.234T>A (p.Phe78Leu)

Genes: MYO19 (myosin XIX; minus strand), PIGW (phosphatidylinositol glycan anchor biosynthesis class W; plus strand). Cytogenetic location: 17q12.
Variant type: single nucleotide variant.
Coding change: c.234T>A on transcript NM_001346754.2 (MANE Select); coding-DNA position 234, T replaced by A.
Protein change: p.Phe78Leu; replaces phenylalanine 78 with leucine.
Molecular consequence: missense variant.
Genome position (GRCh38, 1-based): chr17:36,537,335, T>A. VCF-style: chr17-36537335-T-A. GRCh37 (hg19) VCF-style: chr17-34893184-T-A.
Other names: c.234T>A, p.Phe78Leu (NM_001346755.2, NM_178517.5); short protein forms F78L.
Identifiers: ClinVar variation 1925906 (VCV001925906.2), dbSNP rs767714420, ClinGen allele CA290115799.
Genomic context (GRCh38, chr17:36,537,335, plus strand): 5'-CACTGACTTTGTTGTCCTAATAGTTCCCATGGTAGCCACTTTGACCATTTGGGCTTCATT[T>A]ATCCTCCTTGAGCTTCTCGGTGTAATTATCTTTGGGGCAGGGCTGTTGTATCAAATATAC-3'
Protein context (NP_001333683.1, residues 68-88): MVATLTIWAS[Phe78Leu]ILLELLGVII

ClinVar aggregate classification (germline): Uncertain significance (1 of 4 stars; one submission).

Conditions:
Hyperphosphatasia with intellectual disability syndrome 5 (GPIBD11). Also called: GLYCOSYLPHOSPHATIDYLINOSITOL BIOSYNTHESIS DEFECT 11. Identifiers: Orphanet 247262, MedGen C4014958, MONDO:0014457, OMIM 616025.

Allele frequency attached by ClinVar (database versions not stated): ExAC 0.00001.
gnomAD v4.1: 6 of 1,613,952 alleles (0.00037%); highest among the groups gnomAD compares: African/African-American, 0.008%; no homozygotes.

Submission:

Labcorp Genetics (formerly Invitae), Labcorp
Classification: Uncertain significance for Hyperphosphatasia with intellectual disability syndrome 5. Last evaluated: 2022-05-04. Review status: criteria provided, single submitter. Criteria: Invitae Variant Classification Sherloc (09022015). Collection method: clinical testing. Allele origin: germline.
Comment: This sequence change replaces phenylalanine, which is neutral and non-polar, with leucine, which is neutral and non-polar, at codon 78 of the PIGW protein (p.Phe78Leu). This variant is present in population databases (rs767714420, gnomAD 0.01%). This variant has not been reported in the literature in individuals affected with PIGW-related conditions. Algorithms developed to predict the effect of missense changes on protein structure and function (SIFT, PolyPhen-2, Align-GVGD) all suggest that this variant is likely to be tolerated. In summary, the available evidence is currently insufficient to determine the role of this variant in disease. Therefore, it has been classified as a Variant of Uncertain Significance.